The following is an entry in ClinVar:

ClinVar aggregate classification (germline): Benign/Likely benign. Review status: criteria provided, multiple submitters, no conflicts (2 of 4 stars). 11 submissions from 11 submitters: Benign (1); Likely benign (7). 3 of the submissions do not count toward it. Last evaluated 2026-01-25.

Conditions:
Inborn genetic diseases. Identifiers: MedGen C0950123, MeSH D030342.
Dyskeratosis congenita. Identifiers: Orphanet 1775, MedGen C0265965, MONDO:0015780.
RTEL1-related disorder. Also called: RTEL1-related condition; RTEL1-related disorders.
Pulmonary fibrosis and/or bone marrow failure, Telomere-related, 3. Also called: PULMONARY FIBROSIS AND/OR BONE MARROW FAILURE SYNDROME, TELOMERE-RELATED, 3. Identifiers: Orphanet 2032, MedGen C4225346, MONDO:0014613, OMIM 616373.
Dyskeratosis congenita, autosomal recessive 5 (DKCB5). Identifiers: MedGen C3554656, MONDO:0014076, OMIM 615190.

Allele frequency attached by ClinVar (database versions not stated): 1000 Genomes Project 0.00080; 1000 Genomes Project 30x 0.00094; gnomAD 0.00128; TOPMed 0.00128; ESP Exome Variant Server 0.00139.
gnomAD v4.1: 2,469 of 1,610,740 alleles (0.15%); highest among the groups gnomAD compares: Admixed American, 0.25%; 4 homozygotes.

Submissions (11):

Labcorp Genetics (formerly Invitae), Labcorp
Classification: Benign for Dyskeratosis congenita, autosomal recessive 5; Pulmonary fibrosis and/or bone marrow failure, Telomere-related, 3. Last evaluated: 2026-01-25. Review status: criteria provided, single submitter. Criteria: Invitae Variant Classification Sherloc (09022015). Collection method: clinical testing. Allele origin: germline.

CeGaT Center for Human Genetics Tuebingen
Classification: Likely benign. Last evaluated: 2024-12-01. Review status: criteria provided, single submitter. Criteria: CeGaT Center For Human Genetics Tuebingen Variant Classification Criteria Version 2. Collection method: clinical testing. Allele origin: germline. Affected: yes. Observed: 3 variant alleles.
Comment: RTEL1: BP4, BP7

ARUP Laboratories, Molecular Genetics and Genomics, ARUP Laboratories
Classification: Likely benign. Last evaluated: 2024-11-15. Review status: criteria provided, single submitter. Criteria: ARUP Molecular Germline Variant Investigation Process 2024. Collection method: clinical testing. Allele origin: germline.

Blueprint Genetics
Classification: Likely benign. Last evaluated: 2024-08-21. Review status: criteria provided, single submitter. Criteria: ACMG Guidelines, 2015. Collection method: clinical testing. Allele origin: germline.

Ambry Genetics
Classification: Likely benign for Inborn genetic diseases. Last evaluated: 2022-03-30. Review status: criteria provided, single submitter. Criteria: Ambry Variant Classification Scheme 2023. Collection method: clinical testing. Allele origin: germline.

Sema4
Classification: Likely benign for Dyskeratosis congenita. Last evaluated: 2021-09-03. Review status: criteria provided, single submitter. Criteria: Sema4 Curation Guidelines. Collection method: curation. Allele origin: germline.

GeneDx
Classification: Likely benign. Last evaluated: 2021-05-05. Review status: criteria provided, single submitter. Criteria: GeneDx Variant Classification Process June 2021. Collection method: clinical testing. Allele origin: germline. Affected: yes.

Breakthrough Genomics
Classification: Likely benign. Review status: criteria provided, single submitter. Criteria: ACMG Guidelines, 2015. Collection method: not provided. Allele origin: germline. Inheritance: Autosomal recessive inheritance. Affected: yes.

Genetic Services Laboratory, University of Chicago
Classification: Likely benign. Last evaluated: 2022-07-14. Review status: no assertion criteria provided. Collection method: clinical testing. Allele origin: germline. Affected: no. Not counted in ClinVar's aggregate classification.

Natera, Inc.
Classification: Likely benign for Dyskeratosis congenita. Last evaluated: 2019-12-10. Review status: no assertion criteria provided. Collection method: clinical testing. Allele origin: germline. Not counted in ClinVar's aggregate classification.

PreventionGenetics, part of Exact Sciences
Classification: Likely benign for RTEL1-related condition. Last evaluated: 2019-04-01. Review status: no assertion criteria provided. Collection method: clinical testing. Allele origin: germline. Not counted in ClinVar's aggregate classification.
Comment: This variant is classified as likely benign based on ACMG/AMP sequence variant interpretation guidelines (Richards et al. 2015 PMID: 25741868, with internal and published modifications).

NM_001283009.2(RTEL1):c.2661C>T (p.Pro887=)

Genes: RTEL1 (regulator of telomere elongation helicase 1; plus strand), RTEL1-TNFRSF6B (RTEL1-TNFRSF6B readthrough (NMD candidate); plus strand). Cytogenetic location: 20q13.33.
Variant type: single nucleotide variant.
Coding change: c.2661C>T on transcript NM_001283009.2 (MANE Select); coding-DNA position 2661, C replaced by T.
Protein change: p.Pro887=; no amino-acid change (proline 887 retained).
Molecular consequence: synonymous variant. On other transcripts: non-coding transcript variant (1).
Genome position (GRCh38, 1-based): chr20:63,692,813, C>T. VCF-style: chr20-63692813-C-T. GRCh37 (hg19) VCF-style: chr20-62324166-C-T.
Other names: c.1992C>T, p.Pro664= (NM_001283010.1); c.2661C>T, p.Pro887= (NM_016434.4); c.2733C>T, p.Pro911= (NM_032957.5).
Identifiers: ClinVar variation 540950 (VCV000540950.47), dbSNP rs3848671, ClinGen allele CA9965489.